The following is an entry in ClinVar:

ClinVar aggregate classification (germline): Uncertain significance (1 of 4 stars; one submission).

Allele frequency attached by ClinVar (database versions not stated): ExAC 0.00001; gnomAD exomes 0.00002 and 0.00008; gnomAD 0.00003 and 0.00004.
gnomAD v4.1: 121 of 1,595,246 alleles (0.0076%); highest among the groups gnomAD compares: Non-Finnish European, 0.0099%; no homozygotes.

Submission:

Labcorp Genetics (formerly Invitae), Labcorp
Classification: Uncertain significance. Last evaluated: 2022-03-10. Review status: criteria provided, single submitter. Criteria: Invitae Variant Classification Sherloc (09022015). Collection method: clinical testing. Allele origin: germline.
Comment: This sequence change falls in intron 5 of the PHYH gene. It does not directly change the encoded amino acid sequence of the PHYH protein. It affects a nucleotide within the consensus splice site. This variant is present in population databases (rs746531755, gnomAD 0.007%). This variant has not been reported in the literature in individuals affected with PHYH-related conditions. Variants that disrupt the consensus splice site are a relatively common cause of aberrant splicing (PMID: 17576681, 9536098). Algorithms developed to predict the effect of sequence changes on RNA splicing suggest that this variant may disrupt the consensus splice site. In summary, the available evidence is currently insufficient to determine the role of this variant in disease. Therefore, it has been classified as a Variant of Uncertain Significance.

Literature cited by the submitters: PubMed 17576681; PubMed 9536098.

NM_006214.4(PHYH):c.496+6T>A

Gene: PHYH (phytanoyl-CoA 2-hydroxylase; minus strand). Cytogenetic location: 10p13.
Variant type: single nucleotide variant.
Coding change: c.496+6T>A on transcript NM_006214.4 (MANE Select); 6 bases into the intron after coding-DNA position 496, T replaced by A.
Molecular consequence: intron variant. On other transcripts: missense variant (2).
Genome position (GRCh38, 1-based): chr10:13,291,825, A>T on the plus strand (T>A on the coding strand, the complement: PHYH is on the minus strand). VCF-style: chr10-13291825-A-T. GRCh37 (hg19) VCF-style: chr10-13333825-A-T.
Other names: c.502T>A, p.Cys168Ser (NM_001323082.2); c.202T>A, p.Cys68Ser (NM_001323084.2); c.414+2603T>A (NM_001323083.2); c.196+6T>A (NM_001037537.2, NM_001323080.2); short protein forms C168S, C68S.
Identifiers: ClinVar variation 1517019 (VCV001517019.3), dbSNP rs746531755, ClinGen allele CA5412360.